The following is an entry in ClinVar:

ClinVar aggregate classification (germline): Conflicting classifications of pathogenicity. Review status: criteria provided, conflicting classifications (1 of 4 stars). 3 submissions from 3 submitters: Uncertain significance (1); Likely benign (2). Last evaluated 2026-04-01.

Conditions:
Hepatoencephalopathy due to combined oxidative phosphorylation defect type 1. Also called: HEPATOENCEPHALOPATHY, EARLY FATAL PROGRESSIVE. Identifiers: Orphanet 137681, MedGen C1836797, MONDO:0012191, OMIM 609060.

Allele frequency attached by ClinVar (database versions not stated): ExAC 0.00001; gnomAD 0.00001; gnomAD exomes 0.00001; TOPMed 0.00001.
gnomAD v4.1: 18 of 1,613,040 alleles (0.0011%); highest among the groups gnomAD compares: South Asian, 0.0088%; no homozygotes.

Submissions (3):

CeGaT Center for Human Genetics Tuebingen
Classification: Likely benign. Last evaluated: 2026-04-01. Review status: criteria provided, single submitter. Criteria: CeGaT Center For Human Genetics Tuebingen Variant Classification Criteria Version 2. Collection method: clinical testing. Allele origin: germline. Affected: yes. Observed: 1 variant allele.
Comment: GFM1: BP4, BP7

Labcorp Genetics (formerly Invitae), Labcorp
Classification: Likely benign. Last evaluated: 2025-07-30. Review status: criteria provided, single submitter. Criteria: Invitae Variant Classification Sherloc (09022015). Collection method: clinical testing. Allele origin: germline.

Illumina Laboratory Services, Illumina
Classification: Uncertain significance for Hepatoencephalopathy due to combined oxidative phosphorylation defect type 1. Last evaluated: 2018-01-12. Review status: criteria provided, single submitter. Criteria: ICSL Variant Classification Criteria 13 December 2019. Collection method: clinical testing. Allele origin: germline.

NM_024996.7(GFM1):c.897C>T (p.Ser299=)

Gene: GFM1 (G elongation factor mitochondrial 1; plus strand). Cytogenetic location: 3q25.32.
Variant type: single nucleotide variant.
Coding change: c.897C>T on transcript NM_024996.7 (MANE Select); coding-DNA position 897, C replaced by T.
Protein change: p.Ser299=; no amino-acid change (serine 299 retained).
Molecular consequence: synonymous variant. On other transcripts: non-coding transcript variant (4).
Genome position (GRCh38, 1-based): chr3:158,653,366, C>T. VCF-style: chr3-158653366-C-T. GRCh37 (hg19) VCF-style: chr3-158371155-C-T.
Other names: c.954C>T, p.Ser318= (NM_001308164.2, NM_001374355.1); c.897C>T, p.Ser299= (NM_001308166.2); c.780C>T, p.Ser260= (NM_001374356.1); c.672C>T, p.Ser224= (NM_001374357.1); c.438C>T, p.Ser146= (NM_001374358.1); c.330C>T, p.Ser110= (NM_001374359.1, NM_001374360.1); c.213C>T, p.Ser71= (NM_001374361.1).
Identifiers: ClinVar variation 343927 (VCV000343927.15), dbSNP rs763546447, ClinGen allele CA2682451.